The following is an entry in ClinVar:

ClinVar aggregate classification (germline): Uncertain significance. Review status: criteria provided, multiple submitters, no conflicts (2 of 4 stars). 3 submissions from 3 submitters: Uncertain significance (3). Last evaluated 2026-06-29.

Conditions:
SLC24A1-related disorder. Also called: SLC24A1-related condition.

Allele frequency attached by ClinVar (database versions not stated): gnomAD exomes 0.00003 and 0.00008; gnomAD 0.00007 and 0.00008.

Submissions (3):

PreventionGenetics, part of Exact Sciences
Classification: Uncertain significance for SLC24A1-related condition. Last evaluated: 2026-06-29. Review status: criteria provided, single submitter. Criteria: ACMG Guidelines, 2015. Collection method: clinical testing. Allele origin: germline.
Comment: The SLC24A1 c.2813T>G variant is predicted to result in the amino acid substitution p.Val938Gly. To our knowledge, this variant has not been reported in the literature. This variant is reported in 0.0062% of alleles in individuals of European (Non-Finnish) descent in gnomAD. At this time, the clinical significance of this variant is uncertain due to the absence of conclusive functional and genetic evidence.

Labcorp Genetics (formerly Invitae), Labcorp
Classification: Uncertain significance. Last evaluated: 2025-01-06. Review status: criteria provided, single submitter. Criteria: Invitae Variant Classification Sherloc (09022015). Collection method: clinical testing. Allele origin: germline.
Comment: This sequence change replaces valine, which is neutral and non-polar, with glycine, which is neutral and non-polar, at codon 938 of the SLC24A1 protein (p.Val938Gly). This variant is present in population databases (rs376493994, gnomAD 0.007%). This variant has not been reported in the literature in individuals affected with SLC24A1-related conditions. ClinVar contains an entry for this variant (Variation ID: 1061677). An algorithm developed to predict the effect of missense changes on protein structure and function (PolyPhen-2) suggests that this variant is likely to be disruptive. In summary, the available evidence is currently insufficient to determine the role of this variant in disease. Therefore, it has been classified as a Variant of Uncertain Significance.

Blueprint Genetics
Classification: Uncertain significance. Last evaluated: 2024-10-30. Review status: criteria provided, single submitter. Criteria: ACMG Guidelines, 2015. Collection method: clinical testing. Allele origin: germline.

NM_004727.3(SLC24A1):c.2813T>G (p.Val938Gly)

Gene: SLC24A1 (solute carrier family 24 member 1; plus strand). Cytogenetic location: 15q22.31.
Variant type: single nucleotide variant.
Coding change: c.2813T>G on transcript NM_004727.3 (MANE Select); coding-DNA position 2813, T replaced by G.
Protein change: p.Val938Gly; replaces valine 938 with glycine.
Molecular consequence: missense variant. On other transcripts: intron variant (1).
Genome position (GRCh38, 1-based): chr15:65,651,689, T>G. VCF-style: chr15-65651689-T-G. GRCh37 (hg19) VCF-style: chr15-65944027-T-G.
Other names: c.794T>G, p.Val265Gly (NM_001254740.2); c.2759T>G, p.Val920Gly (NM_001301032.1, NM_001301033.2); c.2793+747T>G (NM_001301031.1); c.2813T>G (NM_004727.2); short protein forms V265G, V920G, V938G.
Identifiers: ClinVar variation 1061677 (VCV001061677.10), dbSNP rs376493994, ClinGen allele CA7620220.
Genomic context (GRCh38, chr15:65,651,689, plus strand): 5'-CTCTACAGCTTACTTCTTGTCCTTTTCAAACTTTCAAACAGGAGTCTAGGAAGTTTTTTG[T>G]TTTCACCTTCCTGGGATCTATCATGTGGATAGCCATGTTCTCATACCTCATGGTGTGGTG-3'
Protein context (NP_004718.1, residues 928-948): VRRQESRKFF[Val938Gly]FTFLGSIMWI